The following is an entry in ClinVar:

ClinVar aggregate classification (germline): Likely pathogenic. Review status: criteria provided, multiple submitters, no conflicts (2 of 4 stars). 2 submissions from 2 submitters: Likely pathogenic (2). Last evaluated 2025-10-27.

Conditions:
BSCL2-related disorder. Also called: BSCL2-Related Disorders; BSCL2-related condition.
Charcot-Marie-Tooth disease type 2. Also called: Charcot-Marie-Tooth type 2. Identifiers: Orphanet 64746, MedGen C0270914, MONDO:0018993.

Submissions (2):

Labcorp Genetics (formerly Invitae), Labcorp
Classification: Likely pathogenic for Charcot-Marie-Tooth disease type 2. Last evaluated: 2025-10-27. Review status: criteria provided, single submitter. Criteria: Invitae Variant Classification Sherloc (09022015). Collection method: clinical testing. Allele origin: germline.
Comment: This sequence change affects an acceptor splice site in intron 7 of the BSCL2 gene. It is expected to disrupt RNA splicing. Variants that disrupt the donor or acceptor splice site typically lead to a loss of protein function (PMID: 16199547), and loss-of-function variants in BSCL2 are known to be pathogenic (PMID: 11479539, 23564749). This variant is not present in population databases (gnomAD no frequency). This variant has not been reported in the literature in individuals affected with BSCL2-related conditions. ClinVar contains an entry for this variant (Variation ID: 2821857). Algorithms developed to predict the effect of sequence changes on RNA splicing suggest that this variant may disrupt the consensus splice site. In summary, the currently available evidence indicates that the variant is pathogenic, but additional data are needed to prove that conclusively. Therefore, this variant has been classified as Likely Pathogenic.

Blueprint Genetics
Classification: Likely pathogenic for BSCL2-related disorders. Last evaluated: 2022-02-17. Review status: criteria provided, single submitter. Criteria: ACMG Guidelines, 2015. Collection method: clinical testing. Allele origin: germline. Affected: yes. Observed: 1 variant allele.

Literature cited by the submitters: PubMed 16199547 (cited by Labcorp Genetics (formerly Invitae), Labcorp); PubMed 11479539 (cited by Labcorp Genetics (formerly Invitae), Labcorp); PubMed 23564749 (cited by Labcorp Genetics (formerly Invitae), Labcorp).

NM_001122955.4(BSCL2):c.1006-2A>C

Genes: BSCL2 (BSCL2 lipid droplet biogenesis associated, seipin; minus strand), HNRNPUL2-BSCL2 (HNRNPUL2-BSCL2 readthrough (NMD candidate); minus strand). Cytogenetic location: 11q12.3.
Variant type: single nucleotide variant.
Coding change: c.1006-2A>C on transcript NM_001122955.4 (MANE Select); the canonical splice acceptor site of the intron before coding-DNA position 1006, A replaced by C.
Molecular consequence: splice acceptor variant.
Genome position (GRCh38, 1-based): chr11:62,691,143, T>G on the plus strand (A>C on the coding strand, the complement: BSCL2 is on the minus strand). VCF-style: chr11-62691143-T-G. GRCh37 (hg19) VCF-style: chr11-62458615-T-G.
Other names: c.672-2A>C (NM_001130702.2); c.814-2A>C (NM_032667.6); c.1006-2A>C (NM_001386028.1, NM_001386027.1).
Identifiers: ClinVar variation 2821857 (VCV002821857.4), dbSNP rs879254029, ClinGen allele CA380958742.
Genomic context (GRCh38, chr11:62,691,143, plus strand): 5'-TGAGCAGAGATCCTTCGTTGGACTTCCTTCCGGGAATTGTCTCTTTTTCGGATGTTAACC[T>G]GTGGAGGAAAAACTACTGAGCAGCCAGGACTGACTTCCCTCACTAACAATCAGGACCCTC-3'